The following is an entry in ClinVar:

ClinVar aggregate classification (germline): Uncertain significance. Review status: criteria provided, multiple submitters, no conflicts (2 of 4 stars). 2 submissions from 2 submitters: Uncertain significance (2). Last evaluated 2026-07-29.

Allele frequency attached by ClinVar (database versions not stated): gnomAD exomes 0.00003; ExAC 0.00009; gnomAD 0.00019; TOPMed 0.00022; 1000 Genomes Project 0.00040; 1000 Genomes Project 30x 0.00062.
gnomAD v4.1: 74 of 1,547,226 alleles (0.0048%); highest among the groups gnomAD compares: African/African-American, 0.074%; no homozygotes.

Submissions (2):

GeneDx
Classification: Uncertain significance. Last evaluated: 2026-07-29. Review status: criteria provided, single submitter. Criteria: GeneDx Variant Classification Process June 2021. Collection method: clinical testing. Allele origin: germline.
Comment: In silico analysis suggests that this missense variant does not alter protein structure/function; Has not been previously published as pathogenic or benign to our knowledge

Ambry Genetics
Classification: Uncertain significance. Last evaluated: 2024-10-25. Review status: criteria provided, single submitter. Criteria: Ambry Variant Classification Scheme 2023. Collection method: clinical testing. Allele origin: germline.

NM_001367479.1(DNAH14):c.9325G>A (p.Ala3109Thr)

Gene: DNAH14 (dynein axonemal heavy chain 14; plus strand). Cytogenetic location: 1q42.12.
Variant type: single nucleotide variant.
Coding change: c.9325G>A on transcript NM_001367479.1 (MANE Select); coding-DNA position 9325, G replaced by A.
Protein change: p.Ala3109Thr; replaces alanine 3109 with threonine.
Molecular consequence: missense variant.
Genome position (GRCh38, 1-based): chr1:225,318,667, G>A. VCF-style: chr1-225318667-G-A. GRCh37 (hg19) VCF-style: chr1-225506369-G-A.
Other names: NM_001373.1:c.9046G>A; short protein forms A3109T.
Identifiers: ClinVar variation 2574291 (VCV002574291.3), dbSNP rs140440496, ClinGen allele CA1416515.